The following is an entry in ClinVar:

NM_004371.4(COPA):c.1255G>A (p.Val419Ile)

Gene: COPA (coat protein complex I subunit alpha; minus strand). Cytogenetic location: 1q23.2.
Variant type: single nucleotide variant.
Coding change: c.1255G>A on transcript NM_004371.4 (MANE Select); coding-DNA position 1255, G replaced by A.
Protein change: p.Val419Ile; replaces valine 419 with isoleucine.
Molecular consequence: missense variant.
Genome position (GRCh38, 1-based): chr1:160,307,210, C>T on the plus strand (G>A on the coding strand, the complement: COPA is on the minus strand). VCF-style: chr1-160307210-C-T. GRCh37 (hg19) VCF-style: chr1-160277000-C-T.
Other names: c.1255G>A, p.Val419Ile (NM_001098398.2); c.1255G>A (NM_001098398.1); short protein forms V419I.
Identifiers: ClinVar variation 2189010 (VCV002189010.6), dbSNP rs750819605, ClinGen allele CA1198140.
Genomic context (GRCh38, chr1:160,307,210, plus strand): 5'-AGTCTTAACTCACCGAATGCATCCGATCTAGGACAGCAAACCGATTTCGAGCGACCCAAA[C>T]GGCTGTCAGGCCTGAGGATCGTTTCCCTTCAGGCGCTGAGAAGAACAAAACCAAAGGGTG-3'
Protein context (NP_004362.2, residues 409-429): EGKRSSGLTA[Val419Ile]WVARNRFAVL

ClinVar aggregate classification (germline): Uncertain significance. Review status: criteria provided, multiple submitters, no conflicts (2 of 4 stars). 2 submissions from 2 submitters: Uncertain significance (2). Last evaluated 2025-04-08.

Conditions:
Autoimmune interstitial lung disease-arthritis syndrome. Also called: Autoinflammation and autoimmunity, systemic, with immune dysregulation. Identifiers: Orphanet 444092, MedGen C5975714, MONDO:0014629.
Inborn genetic diseases. Identifiers: MedGen C0950123, MeSH D030342.

Allele frequency attached by ClinVar (database versions not stated): gnomAD 0.00001; ExAC 0.00002; TOPMed 0.00002.
gnomAD v4.1: 12 of 1,614,086 alleles (0.00074%); highest among the groups gnomAD compares: East Asian, 0.0045%; no homozygotes.

Submissions (2):

Ambry Genetics
Classification: Uncertain significance for Inborn genetic diseases. Last evaluated: 2025-04-08. Review status: criteria provided, single submitter. Criteria: Ambry Variant Classification Scheme 2023. Collection method: clinical testing. Allele origin: germline.

Labcorp Genetics (formerly Invitae), Labcorp
Classification: Uncertain significance for Autoimmune interstitial lung disease-arthritis syndrome. Last evaluated: 2024-08-11. Review status: criteria provided, single submitter. Criteria: Invitae Variant Classification Sherloc (09022015). Collection method: clinical testing. Allele origin: germline.
Comment: This sequence change replaces valine, which is neutral and non-polar, with isoleucine, which is neutral and non-polar, at codon 419 of the COPA protein (p.Val419Ile). This variant is present in population databases (rs750819605, gnomAD 0.01%). This variant has not been reported in the literature in individuals affected with COPA-related conditions. ClinVar contains an entry for this variant (Variation ID: 2189010). Advanced modeling of protein sequence and biophysical properties (such as structural, functional, and spatial information, amino acid conservation, physicochemical variation, residue mobility, and thermodynamic stability) performed at Invitae indicates that this missense variant is not expected to disrupt COPA protein function with a negative predictive value of 80%. In summary, the available evidence is currently insufficient to determine the role of this variant in disease. Therefore, it has been classified as a Variant of Uncertain Significance.